The following is an entry in ClinVar:

ClinVar aggregate classification (germline): Uncertain significance. Review status: criteria provided, multiple submitters, no conflicts (2 of 4 stars). 3 submissions from 3 submitters: Uncertain significance (3). Last evaluated 2023-10-13.

Conditions:
Nephrolithiasis/nephrocalcinosis. Identifiers: MedGen CN580796.
Familial hypocalciuric hypercalcemia (FHH). Also called: Familial benign hypercalcemia. Identifiers: Orphanet 405, MedGen C1809471, MONDO:0018458.
Autosomal dominant hypocalcemia 1 (HYPOC1). Also called: HYPOCALCEMIA, FAMILIAL. Identifiers: MedGen C3715128, MONDO:0011013, OMIM 601198.

Allele frequency attached by ClinVar (database versions not stated): gnomAD 0.00001; TOPMed 0.00001.
gnomAD v4.1: 5 of 1,613,844 alleles (0.00031%); highest among the groups gnomAD compares: South Asian, 0.0011%; no homozygotes.

Submissions (3):

Labcorp Genetics (formerly Invitae), Labcorp
Classification: Uncertain significance for Familial hypocalciuric hypercalcemia; Autosomal dominant hypocalcemia 1. Last evaluated: 2023-10-13. Review status: criteria provided, single submitter. Criteria: Invitae Variant Classification Sherloc (09022015). Collection method: clinical testing. Allele origin: germline.
Comment: This sequence change replaces alanine, which is neutral and non-polar, with serine, which is neutral and polar, at codon 430 of the CASR protein (p.Ala430Ser). This variant is not present in population databases (gnomAD no frequency). This variant has not been reported in the literature in individuals affected with CASR-related conditions. ClinVar contains an entry for this variant (Variation ID: 969787). An algorithm developed to predict the effect of missense changes on protein structure and function (PolyPhen-2) suggests that this variant is likely to be disruptive. In summary, the available evidence is currently insufficient to determine the role of this variant in disease. Therefore, it has been classified as a Variant of Uncertain Significance.

Ambry Genetics
Classification: Uncertain significance for Nephrolithiasis/nephrocalcinosis. Last evaluated: 2021-10-11. Review status: criteria provided, single submitter. Criteria: Ambry Variant Classification Scheme 2023. Collection method: clinical testing. Allele origin: germline.
Comment: The p.A430S variant (also known as c.1288G>T), located in coding exon 3 of the CASR gene, results from a G to T substitution at nucleotide position 1288. The alanine at codon 430 is replaced by serine, an amino acid with similar properties. This amino acid position is conserved. In addition, this alteration is predicted to be deleterious by in silico analysis. Since supporting evidence is limited at this time, the clinical significance of this alteration remains unclear.

GeneDx
Classification: Uncertain significance. Last evaluated: 2019-09-18. Review status: criteria provided, single submitter. Criteria: GeneDx Variant Classification Process June 2021. Collection method: clinical testing. Allele origin: germline. Affected: yes.
Comment: Not observed in large population cohorts (Lek et al., 2016); In silico analysis, which includes protein predictors and evolutionary conservation, supports that this variant does not alter protein structure/function; Has not been previously published as pathogenic or benign to our knowledge

NM_000388.4(CASR):c.1288G>T (p.Ala430Ser)

Gene: CASR (calcium sensing receptor; plus strand). Cytogenetic location: 3q21.1.
Variant type: single nucleotide variant.
Coding change: c.1288G>T on transcript NM_000388.4 (MANE Select); coding-DNA position 1288, G replaced by T.
Protein change: p.Ala430Ser; replaces alanine 430 with serine.
Molecular consequence: missense variant.
Genome position (GRCh38, 1-based): chr3:122,262,323, G>T. VCF-style: chr3-122262323-G-T. GRCh37 (hg19) VCF-style: chr3-121981170-G-T.
Other names: c.1288G>T, p.Ala430Ser (NM_001178065.2); short protein forms A430S.
Identifiers: ClinVar variation 969787 (VCV000969787.12), dbSNP rs201520875, ClinGen allele CA82739080.